The following is an entry in ClinVar:

ClinVar aggregate classification (germline): Uncertain significance (1 of 4 stars; one submission).

Conditions:
Wilms tumor 1 (WT1). Also called: Wilms tumor, somatic. Identifiers: Orphanet 654, MedGen CN033288, MONDO:0008679, OMIM 194070.

Submission:

Labcorp Genetics (formerly Invitae), Labcorp
Classification: Uncertain significance for Wilms tumor 1. Last evaluated: 2025-06-23. Review status: criteria provided, single submitter. Criteria: Invitae Variant Classification Sherloc (09022015). Collection method: clinical testing. Allele origin: germline.
Comment: This sequence change falls in intron 6 of the GPC3 gene. It does not directly change the encoded amino acid sequence of the GPC3 protein. It affects a nucleotide within the consensus splice site. This variant is not present in population databases (gnomAD no frequency). This variant has not been reported in the literature in individuals affected with GPC3-related conditions. ClinVar contains an entry for this variant (Variation ID: 1015432). Variants that disrupt the consensus splice site are a relatively common cause of aberrant splicing (PMID: 17576681, 9536098). Algorithms developed to predict the effect of sequence changes on RNA splicing suggest that this variant is not likely to affect RNA splicing. In summary, the available evidence is currently insufficient to determine the role of this variant in disease. Therefore, it has been classified as a Variant of Uncertain Significance.

Literature cited by the submitters: PubMed 17576681; PubMed 9536098.

NM_004484.4(GPC3):c.1413+5G>A

Gene: GPC3 (glypican 3; minus strand). Cytogenetic location: Xq26.2.
Variant type: single nucleotide variant.
Coding change: c.1413+5G>A on transcript NM_004484.4 (MANE Select); 5 bases into the intron after coding-DNA position 1413, G replaced by A.
Molecular consequence: intron variant.
Genome position (GRCh38, 1-based): chrX:133,661,725, C>T on the plus strand (G>A on the coding strand, the complement: GPC3 is on the minus strand). VCF-style: chrX-133661725-C-T. GRCh37 (hg19) VCF-style: chrX-132795753-C-T.
Other names: c.1251+5G>A (NM_001164619.2); c.1365+5G>A (NM_001164618.2); c.1482+5G>A (NM_001164617.2).
Identifiers: ClinVar variation 1015432 (VCV001015432.7), dbSNP rs2070728440, ClinGen allele CA2459476054.